The following is an entry in ClinVar:

NM_004370.6(COL12A1):c.3545T>A (p.Val1182Asp)

Gene: COL12A1 (collagen type XII alpha 1 chain; minus strand). Cytogenetic location: 6q13.
Variant type: single nucleotide variant.
Coding change: c.3545T>A on transcript NM_004370.6 (MANE Select); coding-DNA position 3545, T replaced by A.
Protein change: p.Val1182Asp; replaces valine 1182 with aspartic acid.
Molecular consequence: missense variant. On other transcripts: intron variant (2).
Genome position (GRCh38, 1-based): chr6:75,154,436, A>T on the plus strand (T>A on the coding strand, the complement: COL12A1 is on the minus strand). VCF-style: chr6-75154436-A-T. GRCh37 (hg19) VCF-style: chr6-75864152-A-T.
Other names: c.3545T>A, p.Val1182Asp (NM_001424113.1, NM_001424114.1); c.3272T>A, p.Val1091Asp (NM_001424115.1); c.74-1954T>A (NM_001424116.1, NM_080645.3); short protein forms V1091D, V1182D.
Identifiers: ClinVar variation 2933532 (VCV002933532.3), dbSNP rs377419488, ClinGen allele CA3893695.
Genomic context (GRCh38, chr6:75,154,436, plus strand): 5'-CTAAGTTGTTTTCCTCAAGGAATGTAACTCAATTTCTTACCAGAAGATAAAATTGGCATA[A>T]CAGTTGTGTCGGAAAGGGTTGTCATTTCTTGTCCAACAAGTGGTGAGCTTTCTCCTCCAT-3'
Protein context (NP_004361.3, residues 1172-1192): QEMTTLSDTT[Val1182Asp]MPILSSGMEC

ClinVar aggregate classification (germline): Uncertain significance (1 of 4 stars; one submission).

Conditions:
Ullrich congenital muscular dystrophy 2 (UCMD2). Identifiers: Orphanet 75840, MedGen C4225314, MONDO:0014654, OMIM 616470.
Bethlem myopathy 2 (BTHLM2). Identifiers: Orphanet 536516, Orphanet 610, MedGen C4225313, MONDO:0034022, OMIM 616471.

Allele frequency attached by ClinVar (database versions not stated): gnomAD exomes 0.00001; ExAC 0.00002; ESP Exome Variant Server 0.00008.
gnomAD v4.1: 15 of 1,612,140 alleles (0.00093%); highest among the groups gnomAD compares: Non-Finnish European, 0.0013%; no homozygotes.

Submission:

Labcorp Genetics (formerly Invitae), Labcorp
Classification: Uncertain significance for Bethlem myopathy 2; Ullrich congenital muscular dystrophy 2. Last evaluated: 2022-12-31. Review status: criteria provided, single submitter. Criteria: Invitae Variant Classification Sherloc (09022015). Collection method: clinical testing. Allele origin: germline.
Comment: This sequence change replaces valine, which is neutral and non-polar, with aspartic acid, which is acidic and polar, at codon 1182 of the COL12A1 protein (p.Val1182Asp). This variant is present in population databases (rs377419488, gnomAD 0.003%). This variant has not been reported in the literature in individuals affected with COL12A1-related conditions. Advanced modeling of protein sequence and biophysical properties (such as structural, functional, and spatial information, amino acid conservation, physicochemical variation, residue mobility, and thermodynamic stability) performed at Invitae indicates that this missense variant is not expected to disrupt COL12A1 protein function. In summary, the available evidence is currently insufficient to determine the role of this variant in disease. Therefore, it has been classified as a Variant of Uncertain Significance.